The following is an entry in ClinVar:

ClinVar aggregate classification (germline): Uncertain significance (1 of 4 stars; one submission).

Conditions:
Cardiovascular phenotype. Identifiers: MedGen CN230736.

Allele frequency attached by ClinVar (database versions not stated): gnomAD exomes below 0.00001; TOPMed 0.00001.
gnomAD v4.1: 4 of 1,550,292 alleles (0.00026%); highest among the groups gnomAD compares: Non-Finnish European, 0.00026%; no homozygotes.

Submission:

Ambry Genetics
Classification: Uncertain significance for Cardiovascular phenotype. Last evaluated: 2022-09-26. Review status: criteria provided, single submitter. Criteria: Ambry Variant Classification Scheme 2023. Collection method: clinical testing. Allele origin: germline.
Comment: The p.P2821H variant (also known as c.8462C>A), located in coding exon 2 of the ZNF469 gene, results from a C to A substitution at nucleotide position 8462. The proline at codon 2821 is replaced by histidine, an amino acid with similar properties. This amino acid position is conserved. In addition, this alteration is predicted to be tolerated by in silico analysis. Since supporting evidence is limited at this time, the clinical significance of this alteration remains unclear.

NM_001367624.2(ZNF469):c.8546C>A (p.Pro2849His)

Gene: ZNF469 (zinc finger protein 469; plus strand). Cytogenetic location: 16q24.2.
Variant type: single nucleotide variant.
Coding change: c.8546C>A on transcript NM_001367624.2 (MANE Select); coding-DNA position 8546, C replaced by A.
Protein change: p.Pro2849His; replaces proline 2849 with histidine.
Molecular consequence: missense variant.
Genome position (GRCh38, 1-based): chr16:88,436,016, C>A. VCF-style: chr16-88436016-C-A. GRCh37 (hg19) VCF-style: chr16-88502424-C-A.
Other names: NM_001127464.1:c.8462C>A; short protein forms P2849H.
Identifiers: ClinVar variation 1763469 (VCV001763469.2), dbSNP rs1906545810, ClinGen allele CA397118484.